The following is an entry in ClinVar:

NM_005337.5(NCKAP1L):c.2663C>T (p.Pro888Leu)

Gene: NCKAP1L (NCK associated protein 1 like; plus strand). Cytogenetic location: 12q13.2.
Variant type: single nucleotide variant.
Coding change: c.2663C>T on transcript NM_005337.5 (MANE Select); coding-DNA position 2663, C replaced by T.
Protein change: p.Pro888Leu; replaces proline 888 with leucine.
Molecular consequence: missense variant.
Genome position (GRCh38, 1-based): chr12:54,531,549, C>T. VCF-style: chr12-54531549-C-T. GRCh37 (hg19) VCF-style: chr12-54925333-C-T.
Other names: c.2663C>T (NM_005337.4); c.2513C>T, p.Pro838Leu (NM_001184976.2); short protein forms P838L, P888L.
Identifiers: ClinVar variation 1912633 (VCV001912633.6), dbSNP rs375113695, ClinGen allele CA6609491.

ClinVar aggregate classification (germline): Uncertain significance. Review status: criteria provided, multiple submitters, no conflicts (2 of 4 stars). 2 submissions from 2 submitters: Uncertain significance (2). Last evaluated 2024-04-23.

Allele frequency attached by ClinVar (database versions not stated): TOPMed 0.00002; gnomAD exomes 0.00005; gnomAD 0.00007; ESP Exome Variant Server 0.00008; ExAC 0.00010; 1000 Genomes Project 0.00040; 1000 Genomes Project 30x 0.00047.
gnomAD v4.1: 78 of 1,614,134 alleles (0.0048%); highest among the groups gnomAD compares: South Asian, 0.049%; no homozygotes.

Submissions (2):

Ambry Genetics
Classification: Uncertain significance. Last evaluated: 2024-04-23. Review status: criteria provided, single submitter. Criteria: Ambry Variant Classification Scheme 2023. Collection method: clinical testing. Allele origin: germline.

Labcorp Genetics (formerly Invitae), Labcorp
Classification: Uncertain significance. Last evaluated: 2022-09-05. Review status: criteria provided, single submitter. Criteria: Invitae Variant Classification Sherloc (09022015). Collection method: clinical testing. Allele origin: germline.
Comment: This sequence change replaces proline, which is neutral and non-polar, with leucine, which is neutral and non-polar, at codon 888 of the NCKAP1L protein (p.Pro888Leu). This variant is present in population databases (rs375113695, gnomAD 0.05%). This variant has not been reported in the literature in individuals affected with NCKAP1L-related conditions. Algorithms developed to predict the effect of missense changes on protein structure and function (SIFT, PolyPhen-2, Align-GVGD) all suggest that this variant is likely to be tolerated. In summary, the available evidence is currently insufficient to determine the role of this variant in disease. Therefore, it has been classified as a Variant of Uncertain Significance.